The following is an entry in ClinVar:

NM_017875.4(SLC25A38):c.478A>G (p.Ser160Gly)

Gene: SLC25A38 (solute carrier family 25 member 38; plus strand). Cytogenetic location: 3p22.1.
Variant type: single nucleotide variant.
Coding change: c.478A>G on transcript NM_017875.4 (MANE Select); coding-DNA position 478, A replaced by G.
Protein change: p.Ser160Gly; replaces serine 160 with glycine.
Molecular consequence: missense variant.
Genome position (GRCh38, 1-based): chr3:39,391,874, A>G. VCF-style: chr3-39391874-A-G. GRCh37 (hg19) VCF-style: chr3-39433365-A-G.
Other names: c.478A>G, p.Ser160Gly (NM_001354798.2); short protein forms S160G.
Identifiers: ClinVar variation 3609361 (VCV003609361.2).

ClinVar aggregate classification (germline): Uncertain significance (1 of 4 stars; one submission).

gnomAD v4.1: 2 of 1,613,572 alleles (0.00012%); highest among the groups gnomAD compares: African/African-American, 0.0013%; no homozygotes.

Submission:

Labcorp Genetics (formerly Invitae), Labcorp
Classification: Uncertain significance. Last evaluated: 2024-05-31. Review status: criteria provided, single submitter. Criteria: Invitae Variant Classification Sherloc (09022015). Collection method: clinical testing. Allele origin: germline.
Comment: This sequence change replaces serine, which is neutral and polar, with glycine, which is neutral and non-polar, at codon 160 of the SLC25A38 protein (p.Ser160Gly). This variant is not present in population databases (gnomAD no frequency). This variant has not been reported in the literature in individuals affected with SLC25A38-related conditions. Advanced modeling of protein sequence and biophysical properties (such as structural, functional, and spatial information, amino acid conservation, physicochemical variation, residue mobility, and thermodynamic stability) performed at Invitae indicates that this missense variant is not expected to disrupt SLC25A38 protein function with a negative predictive value of 80%. In summary, the available evidence is currently insufficient to determine the role of this variant in disease. Therefore, it has been classified as a Variant of Uncertain Significance.